The following is an entry in ClinVar:

NM_032048.3(EMILIN2):c.2075C>T (p.Thr692Met)

Gene: EMILIN2 (elastin microfibril interfacer 2; plus strand). Cytogenetic location: 18p11.32.
Variant type: single nucleotide variant.
Coding change: c.2075C>T on transcript NM_032048.3 (MANE Select); coding-DNA position 2075, C replaced by T.
Protein change: p.Thr692Met; replaces threonine 692 with methionine.
Molecular consequence: missense variant.
Genome position (GRCh38, 1-based): chr18:2,892,202, C>T. VCF-style: chr18-2892202-C-T. GRCh37 (hg19) VCF-style: chr18-2892200-C-T.
Other names: short protein forms T692M.
Identifiers: ClinVar variation 2648519 (VCV002648519.24), dbSNP rs764459073, ClinGen allele CA8872316.

ClinVar aggregate classification (germline): Likely benign (1 of 4 stars; one submission).

Allele frequency attached by ClinVar (database versions not stated): ExAC 0.00002; gnomAD exomes 0.00009; TOPMed 0.00012; gnomAD 0.00013.
gnomAD v4.1: 142 of 1,607,250 alleles (0.0088%); highest among the groups gnomAD compares: African/African-American, 0.015%; no homozygotes.

Submission:

CeGaT Center for Human Genetics Tuebingen
Classification: Likely benign. Last evaluated: 2023-01-01. Review status: criteria provided, single submitter. Criteria: CeGaT Center For Human Genetics Tuebingen Variant Classification Criteria Version 2. Collection method: clinical testing. Allele origin: germline. Affected: yes. Observed: 1 variant allele.
Comment: EMILIN2: BP4